The following is an entry in ClinVar:

NM_032188.3(KAT8):c.725G>C (p.Arg242Pro)

Gene: KAT8 (lysine acetyltransferase 8; plus strand). Cytogenetic location: 16p11.2.
Variant type: single nucleotide variant.
Coding change: c.725G>C on transcript NM_032188.3 (MANE Select); coding-DNA position 725, G replaced by C.
Protein change: p.Arg242Pro; replaces arginine 242 with proline.
Molecular consequence: missense variant.
Genome position (GRCh38, 1-based): chr16:31,128,093, G>C. VCF-style: chr16-31128093-G-C. GRCh37 (hg19) VCF-style: chr16-31139414-G-C.
Other names: c.725G>C, p.Arg242Pro (NM_182958.4); short protein forms R242P.
Identifiers: ClinVar variation 1699138 (VCV001699138.3), dbSNP rs2057547080, ClinGen allele CA395673870.

ClinVar aggregate classification (germline): Uncertain significance (1 of 4 stars; one submission).

Conditions:
Li-Ghorbani-Weisz-Hubshman syndrome. Identifiers: MedGen C5436525, MONDO:0033547, OMIM 618974.

gnomAD v4.1: 2 of 1,614,004 alleles (0.00012%); highest among the groups gnomAD compares: Non-Finnish European, 0.00017%; no homozygotes.

Submission:

Victorian Clinical Genetics Services, Murdoch Childrens Research Institute
Classification: Uncertain significance for Li-Ghorbani-Weisz-Hubshman syndrome. Last evaluated: 2020-10-19. Review status: criteria provided, single submitter. Criteria: ACMG Guidelines, 2015. Collection method: clinical testing. Allele origin: germline. Inheritance: Autosomal dominant inheritance. Affected: yes.
Comment: Based on the classification scheme VCGS_Germline_v1.3.3, this variant is classified as VUS - 3B. Following criteria are met: 0102 - Loss of function is a likely mechanism of disease in this gene and is associated with cerebral development and syndromic intellectual disability (PMID: 31794431). (I) 0107 - This gene is associated with autosomal dominant disease. However, there is a single example of a patient with biallelic variant inherited from unaffected parents (PMID: 31794431). (I) 0200 - Variant is predicted to result in a missense amino acid change from arginine to proline. (I) 0251 - This variant is heterozygous. (I) 0301 - Variant is absent from gnomAD (both v2 and v3). (SP) 0309 - An alternative amino acid change at the same position has been observed in gnomAD (v2) (1 heterozygote, 0 homozygotes). (I) 0501 - Missense variant consistently predicted to be damaging by multiple in silico tools or highly conserved with a major amino acid change. (SP) 0600 - Variant is located in the annotated acetyltransferase domain (PMID: 31794431). (I) 0705 - No comparable missense variants have previous evidence for pathogenicity. (I) 0807 - This variant has no previous evidence of pathogenicity. (I) 0905 - No published segregation evidence has been identified for this variant. (I) 1007 - No published functional evidence has been identified for this variant. (I) 1208 - Inheritance information for this variant is not currently available in this individual. (I) Legend: (SP) - Supporting pathogenic, (I) - Information, (SB) - Supporting benign

Literature cited by the submitters: PubMed 31794431.